The following is an entry in ClinVar:

ClinVar aggregate classification (germline): Uncertain significance (1 of 4 stars; one submission).

Conditions:
Encephalopathy, acute, infection-induced (herpes-specific), susceptibility to, 6. Also called: Herpes simplex encephalitis, susceptibility to, 4. Identifiers: Orphanet 1930, MedGen C3553869, MONDO:0013921, OMIM 614850.

gnomAD v4.1: 1 of 1,613,142 alleles (0.000062%); highest among the groups gnomAD compares: South Asian, 0.0011%; no homozygotes.

Submission:

Labcorp Genetics (formerly Invitae), Labcorp
Classification: Uncertain significance for Encephalopathy, acute, infection-induced (herpes-specific), susceptibility to, 6. Last evaluated: 2020-09-07. Review status: criteria provided, single submitter. Criteria: Invitae Variant Classification Sherloc (09022015). Collection method: clinical testing. Allele origin: germline.
Comment: This sequence change replaces alanine with glycine at codon 601 of the TICAM1 protein (p.Ala601Gly). The alanine residue is weakly conserved and there is a small physicochemical difference between alanine and glycine. This variant is not present in population databases (ExAC no frequency). In summary, the available evidence is currently insufficient to determine the role of this variant in disease. Therefore, it has been classified as a Variant of Uncertain Significance. This variant has not been reported in the literature in individuals with TICAM1-related conditions. Algorithms developed to predict the effect of missense changes on protein structure and function (SIFT, PolyPhen-2, Align-GVGD) all suggest that this variant is likely to be tolerated, but these predictions have not been confirmed by published functional studies and their clinical significance is uncertain.

NM_182919.4(TICAM1):c.1802C>G (p.Ala601Gly)

Gene: TICAM1 (TIR domain containing adaptor molecule 1; minus strand). Cytogenetic location: 19p13.3.
Variant type: single nucleotide variant.
Coding change: c.1802C>G on transcript NM_182919.4 (MANE Select); coding-DNA position 1802, C replaced by G.
Protein change: p.Ala601Gly; replaces alanine 601 with glycine.
Molecular consequence: missense variant.
Genome position (GRCh38, 1-based): chr19:4,816,576, G>C on the plus strand (C>G on the coding strand, the complement: TICAM1 is on the minus strand). VCF-style: chr19-4816576-G-C. GRCh37 (hg19) VCF-style: chr19-4816588-G-C.
Other names: c.1760C>G, p.Ala587Gly (NM_001385678.1); c.1667C>G, p.Ala556Gly (NM_001385679.1); c.1160C>G, p.Ala387Gly (NM_001385680.1); short protein forms A387G, A556G, A587G, A601G.
Identifiers: ClinVar variation 1061096 (VCV001061096.9), dbSNP rs760290741, ClinGen allele CA403488788.